The following is an entry in ClinVar:

NM_005422.4(TECTA):c.4528G>T (p.Ala1510Ser)

Genes: TBCEL-TECTA (TBCEL-TECTA readthrough; plus strand), TECTA (tectorin alpha; plus strand). Cytogenetic location: 11q23.3.
Variant type: single nucleotide variant.
Coding change: c.4528G>T on transcript NM_005422.4 (MANE Select); coding-DNA position 4528, G replaced by T.
Protein change: p.Ala1510Ser; replaces alanine 1510 with serine.
Molecular consequence: missense variant.
Genome position (GRCh38, 1-based): chr11:121,158,063, G>T. VCF-style: chr11-121158063-G-T. GRCh37 (hg19) VCF-style: chr11-121028772-G-T.
Other names: c.5485G>T, p.Ala1829Ser (NM_001378761.1); short protein forms A1510S, A1829S.
Identifiers: ClinVar variation 2579587 (VCV002579587.1), dbSNP rs1220758488, ClinGen allele CA383027316.

ClinVar aggregate classification (germline): Uncertain significance (1 of 4 stars; one submission).

gnomAD v4.1: 5 of 1,613,680 alleles (0.00031%); highest among the groups gnomAD compares: South Asian, 0.0055%; no homozygotes.

Submission:

GeneDx
Classification: Uncertain significance. Last evaluated: 2023-03-06. Review status: criteria provided, single submitter. Criteria: GeneDx Variant Classification Process June 2021. Collection method: clinical testing. Allele origin: germline. Affected: yes.
Comment: Not observed at significant frequency in large population cohorts (gnomAD); In silico analysis supports that this missense variant does not alter protein structure/function; Has not been previously published as pathogenic or benign to our knowledge; This variant is associated with the following publications: (PMID: 21520338, 31554319, 9590290)